The following is an entry in ClinVar:

NM_000057.4(BLM):c.2560A>G (p.Ser854Gly)

Gene: BLM (BLM RecQ like helicase; plus strand). Cytogenetic location: 15q26.1.
Variant type: single nucleotide variant.
Coding change: c.2560A>G on transcript NM_000057.4 (MANE Select); coding-DNA position 2560, A replaced by G.
Protein change: p.Ser854Gly; replaces serine 854 with glycine.
Molecular consequence: missense variant.
Genome position (GRCh38, 1-based): chr15:90,782,826, A>G. VCF-style: chr15-90782826-A-G. GRCh37 (hg19) VCF-style: chr15-91326056-A-G.
Other names: c.2560A>G, p.Ser854Gly (NM_001287246.2, NM_001287247.2); c.1435A>G, p.Ser479Gly (NM_001287248.2); short protein forms S854G, S479G.
Identifiers: ClinVar variation 1421719 (VCV001421719.8), dbSNP rs752969832, ClinGen allele CA7738821.

ClinVar aggregate classification (germline): Uncertain significance (1 of 4 stars; one submission).

Conditions:
Bloom syndrome (BLM). Also called: Bloom-Torre-Machacek syndrome. Identifiers: Orphanet 125, MedGen C0005859, MONDO:0008876, OMIM 210900.

Allele frequency attached by ClinVar (database versions not stated): gnomAD 0.00001; gnomAD exomes 0.00002 and 0.00003; ExAC 0.00003.
gnomAD v4.1: 17 of 1,609,836 alleles (0.0011%); highest among the groups gnomAD compares: Non-Finnish European, 0.00017%; no homozygotes.

Submission:

Labcorp Genetics (formerly Invitae), Labcorp
Classification: Uncertain significance for Bloom syndrome. Last evaluated: 2021-06-21. Review status: criteria provided, single submitter. Criteria: Invitae Variant Classification Sherloc (09022015). Collection method: clinical testing. Allele origin: germline.
Comment: This sequence change replaces serine with glycine at codon 854 of the BLM protein (p.Ser854Gly). The serine residue is weakly conserved and there is a small physicochemical difference between serine and glycine. This variant is present in population databases (rs752969832, ExAC 0.03%). This variant has not been reported in the literature in individuals with BLM-related conditions. Algorithms developed to predict the effect of missense changes on protein structure and function (SIFT, PolyPhen-2, Align-GVGD) all suggest that this variant is likely to be tolerated, but these predictions have not been confirmed by published functional studies and their clinical significance is uncertain. In summary, the available evidence is currently insufficient to determine the role of this variant in disease. Therefore, it has been classified as a Variant of Uncertain Significance.